The following is an entry in ClinVar:

ClinVar aggregate classification (germline): Uncertain significance (1 of 4 stars; one submission).

Conditions:
Inborn genetic diseases. Identifiers: MedGen C0950123, MeSH D030342.

Submission:

Ambry Genetics
Classification: Uncertain significance for Inborn genetic diseases. Last evaluated: 2026-04-27. Review status: criteria provided, single submitter. Criteria: Ambry Variant Classification Scheme 2023. Collection method: clinical testing. Allele origin: germline.
Comment: The p.G211D variant (also known as c.632G>A), located in coding exon 6 of the PAX5 gene, results from a G to A substitution at nucleotide position 632. The glycine at codon 211 is replaced by aspartic acid, an amino acid with similar properties. This amino acid position is conserved. In addition, this alteration is predicted to be deleterious by in silico analysis. Based on the available evidence, the clinical significance of this variant remains unclear.

NM_016734.3(PAX5):c.632G>A (p.Gly211Asp)

Gene: PAX5 (paired box 5; minus strand). Cytogenetic location: 9p13.2.
Variant type: single nucleotide variant.
Coding change: c.632G>A on transcript NM_016734.3 (MANE Select); coding-DNA position 632, G replaced by A.
Protein change: p.Gly211Asp; replaces glycine 211 with aspartic acid.
Molecular consequence: missense variant. On other transcripts: non-coding transcript variant (2).
Genome position (GRCh38, 1-based): chr9:36,966,697, C>T on the plus strand (G>A on the coding strand, the complement: PAX5 is on the minus strand). VCF-style: chr9-36966697-C-T. GRCh37 (hg19) VCF-style: chr9-36966694-C-T.
Other names: c.632G>A, p.Gly211Asp (NM_001280547.2, NM_001280548.2, NM_001280549.2 and 2 more transcripts); c.308G>A, p.Gly103Asp (NM_001280551.2, NM_001280556.2); c.503G>A, p.Gly168Asp (NM_001280553.2, NM_001280554.2); c.434G>A, p.Gly145Asp (NM_001280555.2); short protein forms G103D, G145D, G168D, G211D.
Identifiers: ClinVar variation 4861611 (VCV004861611.1).